The following is an entry in ClinVar:

ClinVar aggregate classification (germline): Likely pathogenic (1 of 4 stars; one submission).

Conditions:
Carnitine palmitoyl transferase 1A deficiency. Also called: CPT I DEFICIENCY; CPT DEFICIENCY, HEPATIC, TYPE I; Carnitine palmitoyltransferase type I deficiency; CPT deficiency, hepatic, type IA; Carnitine palmitoyltransferase 1A deficiency. Identifiers: Orphanet 156, MedGen C1829703, MONDO:0009705, OMIM 255120.

Submission:

Myriad Genetics, Inc.
Classification: Likely pathogenic for Carnitine palmitoyl transferase 1A deficiency. Last evaluated: 2022-03-20. Review status: criteria provided, single submitter. Criteria: Myriad Women's Health Autosomal Recessive and X-Linked Classification Criteria (2021). Collection method: clinical testing. Allele origin: unknown.
Comment: NM_001876.3(CPT1A):c.331_334delGGCA(G111Pfs*15) is expected to be pathogenic in the context of carnitine palmitoyltransferase IA deficiency. This variant is predicted to lead to an abnormal or absent protein product due to the creation of a premature termination codon in CPT1A, a gene where loss-of-function variants are known to be pathogenic. Please note: this variant was assessed in the context of healthy population screening.

NM_001876.4(CPT1A):c.331_334del (p.Gly111fs)

Gene: CPT1A (carnitine palmitoyltransferase 1A; minus strand). Cytogenetic location: 11q13.3.
Variant type: Deletion.
Coding change: c.331_334del on transcript NM_001876.4 (MANE Select); coding-DNA positions 331 to 334, 4 bases deleted (GGCA; older notation c.331_334delGGCA).
Protein change: p.Gly111fs; shifts the reading frame from glycine 111.
Molecular consequence: frameshift variant.
Genome position (GRCh38, 1-based): chr11:68,807,586-68,807,589, TGCC deleted on the plus strand (GGCA on the coding strand, the reverse complement: CPT1A is on the minus strand). VCF-style (leftmost placement, unchanged base first): chr11-68807585-GTGCC-G. GRCh37 (hg19) VCF-style: chr11-68575053-GTGCC-G.
Other names: c.331_334del, p.Gly111fs (NM_001031847.3); short protein forms G111fs.
Identifiers: ClinVar variation 1725407 (VCV001725407.2), dbSNP rs2495663537, ClinGen allele CA2580084761.